The following is an entry in ClinVar:

NC_012920.1(MT-ND6):m.14210A>G

Gene: MT-ND6 (mitochondrially encoded NADH dehydrogenase 6; minus strand).
Variant type: single nucleotide variant.
Genome position: chrM-14210-A-G.
Identifiers: ClinVar variation 693691 (VCV000693691.1), dbSNP rs1603224604, ClinGen allele CA414821407.
Genomic context (GRCh38, chrMT:14,210, plus strand): 5'-CTATTCCCCCGAGCAATCTCAATTACAATATATACACCAACAAACAATGTTCAACCAGTA[A>G]CTACTACTAATCAACGCCCATAATCATACAAAGCCCCCGCACCAATAGGATCCTCCCGAA-3'

ClinVar aggregate classification (germline): Uncertain significance (1 of 4 stars; one submission).

Conditions:
Leigh syndrome (NULS). Also called: Leigh's necrotizing encephalopathy; Leigh's disease; Leigh's syndrome; LEIGH SYNDROME, NUCLEAR; Leigh Syndrome (mtDNA deletion); Leigh Disease. Identifiers: Orphanet 506, MedGen C2931891, MONDO:0009723, OMIM 256000.

Submission:

Wong Mito Lab, Molecular and Human Genetics, Baylor College of Medicine
Classification: Uncertain significance for Leigh syndrome. Last evaluated: 2019-10-17. Review status: criteria provided, single submitter. Criteria: Modified ACMG Guidelines (Unpublished). Collection method: clinical testing. Allele origin: germline.
Comment: The NC_012920.1:m.14210A>G (YP_003024037.1:p.Val155Ala) variant in MTND6 gene is interpretated to be a Uncertain Significance variant based on the modified ACMG guidelines (unpublished). This variant meets the following evidence codes: PP4